The following is an entry in ClinVar:

ClinVar aggregate classification (germline): Conflicting classifications of pathogenicity. Review status: criteria provided, conflicting classifications (1 of 4 stars). 4 submissions from 4 submitters: Uncertain significance (1); Likely benign (2). 1 of the submissions does not count toward it. Last evaluated 2026-01-20.

Conditions:
DYNC2I1-related disorder. Also called: DYNC2I1-related condition.
Inborn genetic diseases. Identifiers: MedGen C0950123, MeSH D030342.
Short-rib thoracic dysplasia 8 with or without polydactyly (SRTD8). Also called: SHORT-RIB THORACIC DYSPLASIA 8 WITH POLYDACTYLY. Identifiers: Orphanet 93271, MedGen C3809691, MONDO:0014214, OMIM 615503.

Allele frequency attached by ClinVar (database versions not stated): gnomAD exomes 0.00015 and 0.00046; ExAC 0.00078; ESP Exome Variant Server 0.00142; gnomAD 0.00158 and 0.00165; TOPMed 0.00176; 1000 Genomes Project 30x 0.00297; 1000 Genomes Project 0.00300.
gnomAD v4.1: 462 of 1,610,640 alleles (0.029%); highest among the groups gnomAD compares: African/African-American, 0.56%; no homozygotes.

Submissions (8):

Labcorp Genetics (formerly Invitae), Labcorp
Classification: Likely benign for Short-rib thoracic dysplasia 8 with or without polydactyly. Last evaluated: 2026-01-20. Review status: criteria provided, single submitter. Criteria: Invitae Variant Classification Sherloc (09022015). Collection method: clinical testing. Allele origin: germline.

Ambry Genetics
Classification: Uncertain significance for Inborn genetic diseases. Last evaluated: 2025-01-23. Review status: criteria provided, single submitter. Criteria: Ambry Variant Classification Scheme 2023. Collection method: clinical testing. Allele origin: germline.

Breakthrough Genomics
Classification: Likely benign. Review status: criteria provided, single submitter. Criteria: ACMG Guidelines, 2015. Collection method: not provided. Allele origin: germline. Inheritance: Autosomal recessive inheritance. Affected: yes.

PreventionGenetics, part of Exact Sciences
Classification: Likely benign for DYNC2I1-related condition. Last evaluated: 2023-12-26. Review status: no assertion criteria provided. Collection method: clinical testing. Allele origin: germline. Not counted in ClinVar's aggregate classification.
Comment: This variant is classified as likely benign based on ACMG/AMP sequence variant interpretation guidelines (Richards et al. 2015 PMID: 25741868, with internal and published modifications).

Dr. Peter K. Rogan Lab, Western University
No classification provided (evidence only). Condition: Acute myeloid leukemia. Review status: no classification provided. Collection method: in vitro. Allele origin: not applicable. Functional consequence: skipped exon, retained intron. Not counted in ClinVar's aggregate classification.

Dr. Peter K. Rogan Lab, Western University
No classification provided (evidence only). Condition: Uterine corpus endometrial carcinoma. Review status: no classification provided. Collection method: in vitro. Allele origin: not applicable. Functional consequence: skipped exon. Not counted in ClinVar's aggregate classification.

Dr. Peter K. Rogan Lab, Western University
No classification provided (evidence only). Condition: Cervical cancer. Review status: no classification provided. Collection method: in vitro. Allele origin: not applicable. Functional consequence: skipped exon. Not counted in ClinVar's aggregate classification.

Dr. Peter K. Rogan Lab, Western University
No classification provided (evidence only). Condition: Gastric cancer. Review status: no classification provided. Collection method: in vitro. Allele origin: not applicable. Functional consequence: retained intron. Not counted in ClinVar's aggregate classification.

NM_018051.5(DYNC2I1):c.1778G>A (p.Arg593Gln)

Gene: DYNC2I1 (dynein 2 intermediate chain 1; plus strand). Cytogenetic location: 7q36.3.
Variant type: single nucleotide variant.
Coding change: c.1778G>A on transcript NM_018051.5 (MANE Select); coding-DNA position 1778, G replaced by A.
Protein change: p.Arg593Gln; replaces arginine 593 with glutamine.
Molecular consequence: missense variant.
Genome position (GRCh38, 1-based): chr7:158,914,308, G>A. VCF-style: chr7-158914308-G-A. GRCh37 (hg19) VCF-style: chr7-158706999-G-A.
Other names: c.1640G>A, p.Arg547Gln (NM_001350914.2); c.1205G>A, p.Arg402Gln (NM_001350915.2); c.317G>A, p.Arg106Gln (NM_001350916.2); c.530G>A, p.Arg177Gln (NM_001350917.2, NM_001350918.2); short protein forms R547Q, R177Q, R402Q, R593Q, R106Q.
Identifiers: ClinVar variation 766803 (VCV000766803.15), dbSNP rs58538724, ClinGen allele CA4594753.